The following is an entry in ClinVar:

ClinVar aggregate classification (germline): Uncertain significance (1 of 4 stars; one submission).

Conditions:
Bloom syndrome (BLM). Also called: Bloom-Torre-Machacek syndrome. Identifiers: Orphanet 125, MedGen C0005859, MONDO:0008876, OMIM 210900.

Submission:

Labcorp Genetics (formerly Invitae), Labcorp
Classification: Uncertain significance for Bloom syndrome. Last evaluated: 2024-08-07. Review status: criteria provided, single submitter. Criteria: Invitae Variant Classification Sherloc (09022015). Collection method: clinical testing. Allele origin: germline.
Comment: This sequence change replaces aspartic acid, which is acidic and polar, with alanine, which is neutral and non-polar, at codon 384 of the BLM protein (p.Asp384Ala). This variant is not present in population databases (gnomAD no frequency). This variant has not been reported in the literature in individuals affected with BLM-related conditions. Advanced modeling of protein sequence and biophysical properties (such as structural, functional, and spatial information, amino acid conservation, physicochemical variation, residue mobility, and thermodynamic stability) performed at Invitae indicates that this missense variant is not expected to disrupt BLM protein function with a negative predictive value of 80%. In summary, the available evidence is currently insufficient to determine the role of this variant in disease. Therefore, it has been classified as a Variant of Uncertain Significance.

NM_000057.4(BLM):c.1151A>C (p.Asp384Ala)

Gene: BLM (BLM RecQ like helicase; plus strand). Cytogenetic location: 15q26.1.
Variant type: single nucleotide variant.
Coding change: c.1151A>C on transcript NM_000057.4 (MANE Select); coding-DNA position 1151, A replaced by C.
Protein change: p.Asp384Ala; replaces aspartic acid 384 with alanine.
Molecular consequence: missense variant.
Genome position (GRCh38, 1-based): chr15:90,760,210, A>C. VCF-style: chr15-90760210-A-C. GRCh37 (hg19) VCF-style: chr15-91303440-A-C.
Other names: c.1151A>C, p.Asp384Ala (NM_001287246.2, NM_001287247.2); c.26A>C, p.Asp9Ala (NM_001287248.2); short protein forms D384A, D9A.
Identifiers: ClinVar variation 3706239 (VCV003706239.2).